The following is an entry in ClinVar:

ClinVar aggregate classification (germline): Likely benign. Review status: criteria provided, single submitter (1 of 4 stars). 2 submissions from 2 submitters: Likely benign (1). 1 of the submissions does not count toward it. Last evaluated 2023-11-20.

Conditions:
SKIC3-related disorder. Also called: SKIC3-related condition.

Allele frequency attached by ClinVar (database versions not stated): TOPMed 0.00001.

Submissions (2):

Labcorp Genetics (formerly Invitae), Labcorp
Classification: Likely benign. Last evaluated: 2023-11-20. Review status: criteria provided, single submitter. Criteria: Invitae Variant Classification Sherloc (09022015). Collection method: clinical testing. Allele origin: germline.

PreventionGenetics, part of Exact Sciences
Classification: Likely benign for SKIC3-related condition. Last evaluated: 2019-05-25. Review status: no assertion criteria provided. Collection method: clinical testing. Allele origin: germline. Not counted in ClinVar's aggregate classification.
Comment: This variant is classified as likely benign based on ACMG/AMP sequence variant interpretation guidelines (Richards et al. 2015 PMID: 25741868, with internal and published modifications).

NM_014639.4(SKIC3):c.4527A>G (p.Val1509=)

Gene: SKIC3 (SKI3 subunit of superkiller complex; minus strand). Cytogenetic location: 5q15.
Variant type: single nucleotide variant.
Coding change: c.4527A>G on transcript NM_014639.4 (MANE Select); coding-DNA position 4527, A replaced by G.
Protein change: p.Val1509=; no amino-acid change (valine 1509 retained).
Molecular consequence: synonymous variant.
Genome position (GRCh38, 1-based): chr5:95,467,959, T>C on the plus strand (A>G on the coding strand, the complement: SKIC3 is on the minus strand). VCF-style: chr5-95467959-T-C. GRCh37 (hg19) VCF-style: chr5-94803663-T-C.
Other names: c.4527A>G (NM_014639.3).
Identifiers: ClinVar variation 1593446 (VCV001593446.9), dbSNP rs1038956385, ClinGen allele CA122862525.